The following is an entry in ClinVar:

ClinVar aggregate classification (germline): Conflicting classifications of pathogenicity. Review status: criteria provided, conflicting classifications (1 of 4 stars). 19 submissions from 19 submitters: Uncertain significance (1); Benign (11); Likely benign (2). 5 of the submissions do not count toward it. Last evaluated 2026-10-01.

Conditions:
Ventricular tachycardia. Identifiers: MedGen C0042514, MONDO:0005477, HP:0004756.
Cardiomyopathy (CMYO). Also called: Cardiomyopathies. Identifiers: Orphanet 167848, MedGen C0878544, MONDO:0004994, HP:0001638. Inheritance: Various modes of inheritance.
Cardiovascular phenotype. Identifiers: MedGen CN230736.
Dilated cardiomyopathy 1O (CMD1O). Also called: CARDIOMYOPATHY, DILATED, WITH VENTRICULAR TACHYCARDIA. Identifiers: Orphanet 154, MedGen C1837839, MONDO:0012062, OMIM 608569.
Myocardial infarction. Identifiers: MedGen C0027051, MONDO:0005068, HP:0001658.

Allele frequency attached by ClinVar (database versions not stated): gnomAD 0.00736 and 0.00769; TOPMed 0.00812; gnomAD exomes 0.00736 and 0.01075; ExAC 0.00701; 1000 Genomes Project 0.00399; 1000 Genomes Project 30x 0.00500; ESP Exome Variant Server 0.00924.
gnomAD v4.1: 16,498 of 1,587,612 alleles (1%); highest among the groups gnomAD compares: Non-Finnish European, 1.3%; 97 homozygotes.

Submissions (19):

CeGaT Center for Human Genetics Tuebingen
Classification: Benign. Last evaluated: 2026-10-01. Review status: criteria provided, single submitter. Criteria: CeGaT Center For Human Genetics Tuebingen Variant Classification Criteria Version 2. Collection method: clinical testing. Allele origin: germline. Affected: yes. Observed: 57 variant alleles.
Comment: ABCC9: BS1, BS2

Labcorp Genetics (formerly Invitae), Labcorp
Classification: Benign for Dilated cardiomyopathy 1O. Last evaluated: 2026-02-04. Review status: criteria provided, single submitter. Criteria: Invitae Variant Classification Sherloc (09022015). Collection method: clinical testing. Allele origin: germline.

ARUP Laboratories, Molecular Genetics and Genomics, ARUP Laboratories
Classification: Benign. Last evaluated: 2025-07-10. Review status: criteria provided, single submitter. Criteria: ARUP Molecular Germline Variant Investigation Process 2024. Collection method: clinical testing. Allele origin: germline.

Blueprint Genetics
Classification: Likely benign. Last evaluated: 2024-11-26. Review status: criteria provided, single submitter. Criteria: ACMG Guidelines, 2015. Collection method: clinical testing. Allele origin: germline.

Mayo Clinic Laboratories, Mayo Clinic
Classification: Benign. Last evaluated: 2024-07-05. Review status: criteria provided, single submitter. Criteria: ACMG Guidelines, 2015. Collection method: clinical testing. Allele origin: germline. Observed: 21 variant alleles.
Comment: BS1, BS2

Women's Health and Genetics/Laboratory Corporation of America, LabCorp
Classification: Benign. Last evaluated: 2021-03-30. Review status: criteria provided, single submitter. Criteria: LabCorp Variant Classification Summary - May 2015. Collection method: clinical testing. Allele origin: germline.
Comment: Variant summary: ABCC9 c.2200G>A (p.Val734Ile) results in a conservative amino acid change located in the ABC transporter-like (IPR003439) and AAA+ ATPase domain (IPR003593) of the encoded protein sequence. Four of five in-silico tools predict a benign effect of the variant on protein function. This variant is also located in an exonic splice region altering the second nucleotide of exon 17. 4/4 computational tools predict no significant impact on normal splicing. However, these predictions have yet to be confirmed by functional studies. The variant allele was found at a frequency of 0.0073 in 253636 control chromosomes, predominantly at a frequency of 0.012 within the Non-Finnish European subpopulation in the gnomAD database, including 7 homozygotes. The observed variant frequency within Non-Finnish European control individuals in the gnomAD database is approximately 480 fold of the estimated maximal expected allele frequency for a pathogenic variant in ABCC9 causing Cardiomyopathy phenotype (2.5e-05), strongly suggesting that the variant is a benign polymorphism found primarily in populations of Non-Finnish European origin. c.2200G>A has been reported in the literature in individuals affected with cardiomyopathy, myocardial infarction, arrhythmia (example, Zimmerman 2010, Bottillo 2016, Minoretti 2006, Hu 2013, Celestino-Soper 2015). These report(s) do not provide unequivocal conclusions about association of the variant with Cardiomyopathy. Co-occurrences with other pathogenic variant(s) have been observed in patients undergoing panel testing for HCM (hypertrophic cardiomyopathy) at our laboratory and in the literature (example, MYBPC3 c.1484G>A, p.Arg495Gln, our laboratory; MYBPC3 c.2309-2A>G, Bottillo_2016) and SCN5A 3891insA in a proband with sinus bradycardia, AV block, ventricular bigeminy and a global ER pattern (Hu_2013), providing supporting evidence for a benign role. At least two publications reporting experimental evidence evaluating an impact on protein function were ascertained in the context of this evaluation. These reported that the variant, p.Val734Ile, may affect the function of ABCC9 potassium ATP channel complex. However the in-vivo physiological consequences of these findings are not cleary established (Smith_2013, Hu_2013). In a case-control study that included 584 Precocious Myocardial Infarction (PMI) patients and 873 controls, the frequency of 734Ile carriers was significantly higher in MI patients as compared to controls (crude OR=5.52, 95% CI=1.53-19.84, P=0.0075) (Minoretti 2006). However, larger cohort studies are needed to confirm whether this variant is associated with Precocious Myocardial Infarction. Therefore, these studies does not allow convincing conclusions about the variant effect. Six clinical diagnostic laboratories have submitted clinical-significance assessments for this variant to ClinVar after 2014 without evidence for independent evaluation (benign, n=4; likely benign, n=1; VUS, n=1). Based on the evidence outlined above and the predominant consensus among peers supporting a non-actionable outcome in an inherited germline setting, the variant was classified as benign.

Center for Advanced Laboratory Medicine, UC San Diego Health, University of California San Diego
Classification: Benign for Cardiomyopathy; Ventricular tachycardia. Last evaluated: 2019-05-28. Review status: criteria provided, single submitter. Criteria: ACMG Guidelines, 2015. Collection method: clinical testing. Allele origin: germline. Affected: yes. Observed: 2 variant alleles.

CHEO Genetics Diagnostic Laboratory, Children's Hospital of Eastern Ontario
Classification: Likely benign for Cardiomyopathy. Last evaluated: 2017-11-02. Review status: criteria provided, single submitter. Criteria: ACMG Guidelines, 2015. Collection method: clinical testing. Allele origin: germline.

Illumina Laboratory Services, Illumina
Classification: Uncertain significance for Dilated cardiomyopathy 1O. Last evaluated: 2017-04-27. Review status: criteria provided, single submitter. Criteria: ICSL Variant Classification Criteria 13 December 2019. Collection method: clinical testing. Allele origin: germline.
Comment: This variant was observed as part of a predisposition screen in an ostensibly healthy population. A literature search was performed for the gene, cDNA change, and amino acid change (where applicable). Publications were found based on this search. However, the evidence from the literature, in combination with allele frequency data from public databases where available, was not sufficient to rule this variant in or out of causing disease. Therefore, this variant is classified as a variant of unknown significance.

Ambry Genetics
Classification: Benign for Cardiovascular phenotype. Last evaluated: 2015-09-24. Review status: criteria provided, single submitter. Criteria: Ambry Variant Classification Scheme 2023. Collection method: clinical testing. Allele origin: germline.

GeneDx
Classification: Benign. Last evaluated: 2014-03-07. Review status: criteria provided, single submitter. Criteria: GeneDx Variant Classification (06012015). Collection method: clinical testing. Allele origin: germline. Affected: yes.
Comment: This variant is considered likely benign or benign based on one or more of the following criteria: it is a conservative change, it occurs at a poorly conserved position in the protein, it is predicted to be benign by multiple in silico algorithms, and/or has population frequency not consistent with disease.

Biesecker Lab/Clinical Genomics Section, National Institutes of Health
Classification: Benign for Myocardial infarction, association with. Last evaluated: 2013-06-24. Review status: criteria provided, single submitter. Criteria: Ng et al. (Circ Cardiovasc Genet. 2013). Collection method: research. Allele origin: unknown. Observed: 14 variant alleles. Study: ClinSeq.
Comment: The study set was not selected for affection status in relation to any cancer. Pathogenicity categories were based on literature curation. See Pubmed ID:23861362 for details.

Medical sequencing

Laboratory for Molecular Medicine, Mass General Brigham Personalized Medicine
Classification: Benign. Last evaluated: 2012-02-17. Review status: criteria provided, single submitter. Criteria: LMM Criteria. Collection method: clinical testing. Allele origin: germline. Observed: 46 variant alleles.
Comment: Val734Ile in exon 17 of ABCC9: This variant is not expected to be clinically sig nificant because it has been identified in 1.2% (87/7012) of European American c hromosomes chromosomes from a broad population by the NHLBI Exome Sequencing Pro ject (dbSNP rs61688134). Minoretti and colleag ues (2006) reported a possible association with an increased risk for myocardial infarction (based on an increased frequency in cases compared to controls), tho ugh this variant is unlikely to be disease causing when present in isolation.

PreventionGenetics, part of Exact Sciences
Classification: Benign. Review status: criteria provided, single submitter. Criteria: ACMG Guidelines, 2015. Collection method: clinical testing. Allele origin: germline.

Clinical Genetics DNA and cytogenetics Diagnostics Lab, Erasmus MC, Erasmus Medical Center
Classification: Benign. Review status: no assertion criteria provided. Collection method: clinical testing. Allele origin: germline. Affected: yes. Study: VKGL Data-share Consensus. Not counted in ClinVar's aggregate classification.

Clinical Genetics, Academic Medical Center
Classification: Benign. Review status: no assertion criteria provided. Collection method: clinical testing. Allele origin: germline. Affected: yes. Study: VKGL Data-share Consensus. Not counted in ClinVar's aggregate classification.

Diagnostic Laboratory, Department of Genetics, University Medical Center Groningen
Classification: Likely benign. Review status: no assertion criteria provided. Collection method: clinical testing. Allele origin: germline. Affected: yes. Study: VKGL Data-share Consensus. Not counted in ClinVar's aggregate classification.

Genome Diagnostics Laboratory, University Medical Center Utrecht
Classification: Benign. Review status: no assertion criteria provided. Collection method: clinical testing. Allele origin: germline. Affected: yes. Study: VKGL Data-share Consensus. Not counted in ClinVar's aggregate classification.

Joint Genome Diagnostic Labs from Nijmegen and Maastricht, Radboudumc and MUMC+
Classification: Benign. Review status: no assertion criteria provided. Collection method: clinical testing. Allele origin: germline. Affected: yes. Study: VKGL Data-share Consensus. Not counted in ClinVar's aggregate classification.

Literature cited by the submitters: PubMed 16563363 (cited by 3 submitters); PubMed 20474083 (cited by Women's Health and Genetics/Laboratory Corporation of America, LabCorp); PubMed 24439875 (cited by Women's Health and Genetics/Laboratory Corporation of America, LabCorp); PubMed 25333069 (cited by Women's Health and Genetics/Laboratory Corporation of America, LabCorp); PubMed 18239147 (cited by Women's Health and Genetics/Laboratory Corporation of America, LabCorp); PubMed 21846889 (cited by Women's Health and Genetics/Laboratory Corporation of America, LabCorp); PubMed 23739550 (cited by Women's Health and Genetics/Laboratory Corporation of America, LabCorp); PubMed 26636822 (cited by Women's Health and Genetics/Laboratory Corporation of America, LabCorp); PubMed 26656175 (cited by Women's Health and Genetics/Laboratory Corporation of America, LabCorp); PubMed 26764160 (cited by Women's Health and Genetics/Laboratory Corporation of America, LabCorp).

NM_020297.4(ABCC9):c.2200G>A (p.Val734Ile)

Gene: ABCC9 (ATP binding cassette subfamily C member 9; minus strand). Cytogenetic location: 12p12.1.
Variant type: single nucleotide variant.
Coding change: c.2200G>A on transcript NM_020297.4 (MANE Select); coding-DNA position 2200, G replaced by A.
Protein change: p.Val734Ile; replaces valine 734 with isoleucine.
Molecular consequence: missense variant.
Genome position (GRCh38, 1-based): chr12:21,864,476, C>T on the plus strand (G>A on the coding strand, the complement: ABCC9 is on the minus strand). VCF-style: chr12-21864476-C-T. GRCh37 (hg19) VCF-style: chr12-22017410-C-T.
Other names: p.V734I:GTA>ATA; c.2200G>A, p.Val734Ile (NM_001377273.1, NM_005691.4); c.1336G>A, p.Val446Ile (NM_001377274.1); short protein forms V734I, V446I.
Identifiers: ClinVar variation 35627 (VCV000035627.75), dbSNP rs61688134, ClinGen allele CA199985.